The following is an entry in ClinVar:

ClinVar aggregate classification (germline): Uncertain significance (1 of 4 stars; one submission).

Submission:

GeneDx
Classification: Uncertain significance. Last evaluated: 2022-08-24. Review status: criteria provided, single submitter. Criteria: GeneDx Variant Classification Process June 2021. Collection method: clinical testing. Allele origin: germline. Affected: yes.
Comment: Not observed at significant frequency in large population cohorts (gnomAD); In silico analysis supports that this missense variant has a deleterious effect on protein structure/function; Has not been previously published as pathogenic or benign to our knowledge

NM_001146079.2(CLDN14):c.77T>A (p.Ile26Asn)

Genes: CLDN14 (claudin 14; minus strand), CLDN14-AS1 (CLDN14 antisense RNA 1; plus strand). Cytogenetic location: 21q22.13.
Variant type: single nucleotide variant.
Coding change: c.77T>A on transcript NM_001146079.2 (MANE Select); coding-DNA position 77, T replaced by A.
Protein change: p.Ile26Asn; replaces isoleucine 26 with asparagine.
Molecular consequence: missense variant.
Genome position (GRCh38, 1-based): chr21:36,461,619, A>T on the plus strand (T>A on the coding strand, the complement: CLDN14 is on the minus strand). VCF-style: chr21-36461619-A-T. GRCh37 (hg19) VCF-style: chr21-37833917-A-T.
Other names: c.77T>A, p.Ile26Asn (NM_001146077.2, NM_001146078.3, NM_012130.4 and 1 more transcripts); short protein forms I26N.
Identifiers: ClinVar variation 2430973 (VCV002430973.1), dbSNP rs2517047770, ClinGen allele CA409884810.